The following is an entry in ClinVar:

ClinVar aggregate classification (germline): Uncertain significance (1 of 4 stars; one submission).

Allele frequency attached by ClinVar (database versions not stated): gnomAD exomes 0.00002; gnomAD 0.00003; TOPMed 0.00003; ESP Exome Variant Server 0.00016.

Submission:

Women's Health and Genetics/Laboratory Corporation of America, LabCorp
Classification: Uncertain significance. Last evaluated: 2019-03-06. Review status: criteria provided, single submitter. Criteria: LabCorp Variant Classification Summary - May 2015. Collection method: clinical testing. Allele origin: germline.
Comment: Variant summary: The variant, TNFRSF13B c.61+67delG is located at a position not widely known to affect splicing. 5/5 computational tools predict no significant impact on normal splicing. However, these predictions have yet to be confirmed by functional studies. The variant was absent in 30898 control chromosomes (gnomAD). The available data on variant occurrences in the general population are insufficient to allow any conclusion about variant significance. To our knowledge, no occurrence of c.61+67delG in individuals affected with Common Variable Immunodeficiency and no experimental evidence demonstrating its impact on protein function have been reported. No clinical diagnostic laboratories have submitted clinical-significance assessments for this variant to ClinVar after 2014. Based on the evidence outlined above, the variant was classified as uncertain significance until additional evidence becomes available.

NM_012452.3(TNFRSF13B):c.61+67del

Gene: TNFRSF13B (TNF receptor superfamily member 13B; minus strand). Cytogenetic location: 17p11.2.
Variant type: Deletion.
Coding change: c.61+67del on transcript NM_012452.3 (MANE Select); 67 bases into the intron after coding-DNA position 61, one base deleted (G; older notation c.61+67delG).
Molecular consequence: intron variant.
Genome position (GRCh38, 1-based): chr17:16,971,948, C deleted on the plus strand (G on the coding strand, the reverse complement: TNFRSF13B is on the minus strand). VCF-style (leftmost placement, unchanged base first): chr17-16971947-AC-A. GRCh37 (hg19) VCF-style: chr17-16875261-AC-A.
Identifiers: ClinVar variation 929028 (VCV000929028.1), dbSNP rs1423111679, ClinGen allele CA498104902.